The following is an entry in ClinVar:

ClinVar aggregate classification (germline): Uncertain significance (1 of 4 stars; one submission).

Conditions:
Infantile-onset X-linked spinal muscular atrophy. Also called: Spinal Muscular Atrophy, X-Linked Infantile; SPINAL MUSCULAR ATROPHY, X-LINKED LETHAL INFANTILE; AMC, DISTAL, X-LINKED; ARTHROGRYPOSIS, X-LINKED, TYPE I; Spinal muscular atrophy, X-linked 2. Identifiers: Orphanet 1145, MedGen C1844934, MONDO:0010532, OMIM 301830.

Submission:

Labcorp Genetics (formerly Invitae), Labcorp
Classification: Uncertain significance for Infantile-onset X-linked spinal muscular atrophy. Last evaluated: 2018-12-17. Review status: criteria provided, single submitter. Criteria: Invitae Variant Classification Sherloc (09022015). Collection method: clinical testing. Allele origin: germline.
Comment: Algorithms developed to predict the effect of missense changes on protein structure and function are either unavailable or do not agree on the potential impact of this missense change (SIFT: "Deleterious"; PolyPhen-2: "Probably Damaging"; Align-GVGD: "Class C0"). In summary, the available evidence is currently insufficient to determine the role of this variant in disease. Therefore, it has been classified as a Variant of Uncertain Significance. This variant has not been reported in the literature in individuals with UBA1-related conditions. This variant is not present in population databases (ExAC no frequency). This sequence change replaces methionine with lysine at codon 996 of the UBA1 protein (p.Met996Lys). The methionine residue is moderately conserved and there is a moderate physicochemical difference between methionine and lysine.

NM_003334.4(UBA1):c.2987T>A (p.Met996Lys)

Gene: UBA1 (ubiquitin like modifier activating enzyme 1; plus strand). Cytogenetic location: Xp11.3.
Variant type: single nucleotide variant.
Coding change: c.2987T>A on transcript NM_003334.4 (MANE Select); coding-DNA position 2987, T replaced by A.
Protein change: p.Met996Lys; replaces methionine 996 with lysine.
Molecular consequence: missense variant.
Genome position (GRCh38, 1-based): chrX:47,214,583, T>A. VCF-style: chrX-47214583-T-A. GRCh37 (hg19) VCF-style: chrX-47073982-T-A.
Other names: c.2987T>A, p.Met996Lys (NM_153280.3); short protein forms M996K.
Identifiers: ClinVar variation 658741 (VCV000658741.8), dbSNP rs1602662535, ClinGen allele CA412811985.